The following is an entry in ClinVar:

ClinVar aggregate classification (germline): Likely benign (0 of 4 stars; one submission).

Conditions:
PPP1R21-related disorder. Also called: PPP1R21-related condition.

Allele frequency attached by ClinVar (database versions not stated): gnomAD exomes 0.00009; ExAC 0.00030; 1000 Genomes Project 30x 0.00078; 1000 Genomes Project 0.00080; gnomAD 0.00095; TOPMed 0.00112; ESP Exome Variant Server 0.00185.
gnomAD v4.1: 287 of 1,614,240 alleles (0.018%); highest among the groups gnomAD compares: African/African-American, 0.32%; no homozygotes.

Submission:

PreventionGenetics, part of Exact Sciences
Classification: Likely benign for PPP1R21-related condition. Last evaluated: 2023-07-13. Review status: no assertion criteria provided. Collection method: clinical testing. Allele origin: germline.
Comment: This variant is classified as likely benign based on ACMG/AMP sequence variant interpretation guidelines (Richards et al. 2015 PMID: 25741868, with internal and published modifications).

NM_001135629.3(PPP1R21):c.1856A>G (p.Asn619Ser)

Gene: PPP1R21 (protein phosphatase 1 regulatory subunit 21; plus strand). Cytogenetic location: 2p16.3.
Variant type: single nucleotide variant.
Coding change: c.1856A>G on transcript NM_001135629.3 (MANE Select); coding-DNA position 1856, A replaced by G.
Protein change: p.Asn619Ser; replaces asparagine 619 with serine.
Molecular consequence: missense variant. On other transcripts: non-coding transcript variant (1).
Genome position (GRCh38, 1-based): chr2:48,498,656, A>G. VCF-style: chr2-48498656-A-G. GRCh37 (hg19) VCF-style: chr2-48725795-A-G.
Other names: c.1763A>G, p.Asn588Ser (NM_001193475.2); c.1856A>G, p.Asn619Ser (NM_152994.5); short protein forms N588S, N619S.
Identifiers: ClinVar variation 3049990 (VCV003049990.2), dbSNP rs139527974, ClinGen allele CA1651473.